The following is an entry in ClinVar:

ClinVar aggregate classification (germline): Uncertain significance. Review status: criteria provided, multiple submitters, no conflicts (2 of 4 stars). 2 submissions from 2 submitters: Uncertain significance (2). Last evaluated 2025-09-26.

Conditions:
C3 glomerulonephritis. Also called: Nephropathy due to CFHR5 Deficiency; C3 GLOMERULOPATHY 3. Identifiers: Orphanet 329931, MedGen C4055342, MONDO:0013892, OMIM 614809.

Allele frequency attached by ClinVar (database versions not stated): ExAC 0.00001; gnomAD exomes 0.00001; gnomAD 0.00002; TOPMed 0.00003; 1000 Genomes Project 30x 0.00016; 1000 Genomes Project 0.00020.
gnomAD v4.1: 11 of 1,610,736 alleles (0.00068%); highest among the groups gnomAD compares: East Asian, 0.016%; no homozygotes.

Submissions (2):

Genomenon, Inc
Classification: Uncertain significance for C3 glomerulonephritis. Last evaluated: 2025-09-26. Review status: criteria provided, single submitter. Criteria: Genomenon Sequence Variant Interpretation Standards - Updated. Collection method: curation. Allele origin: germline. Affected: yes.
Comment: CFI p.Ile244Ser (c.731T>G) is a missense variant that changes the amino acid at residue 244 from Isoleucine to Serine. This variant has been observed in at least one proband affected with C3 glomerulonephritis (PMID:35619721). Functional studies have been reported; however, the significance of the findings remain unclear (PMID:35619721). The variant is located in a mutational hotspot. It is absent or not present at a significant frequency in gnomAD. In conclusion, we classify CFI p.Ile244Ser (c.731T>G) as a variant of unknown significance.

Labcorp Genetics (formerly Invitae), Labcorp
Classification: Uncertain significance. Last evaluated: 2024-11-26. Review status: criteria provided, single submitter. Criteria: Invitae Variant Classification Sherloc (09022015). Collection method: clinical testing. Allele origin: germline.
Comment: This sequence change replaces isoleucine, which is neutral and non-polar, with serine, which is neutral and polar, at codon 244 of the CFI protein (p.Ile244Ser). This variant is present in population databases (rs200095323, gnomAD 0.03%). This variant has not been reported in the literature in individuals affected with CFI-related conditions. ClinVar contains an entry for this variant (Variation ID: 2195446). Invitae Evidence Modeling of protein sequence and biophysical properties (such as structural, functional, and spatial information, amino acid conservation, physicochemical variation, residue mobility, and thermodynamic stability) indicates that this missense variant is not expected to disrupt CFI protein function with a negative predictive value of 80%. In summary, the available evidence is currently insufficient to determine the role of this variant in disease. Therefore, it has been classified as a Variant of Uncertain Significance.

Literature cited by the submitters: PubMed 35619721 (cited by Genomenon, Inc).

NM_000204.5(CFI):c.731T>G (p.Ile244Ser)

Gene: CFI (complement factor I; minus strand). Cytogenetic location: 4q25.
Variant type: single nucleotide variant.
Coding change: c.731T>G on transcript NM_000204.5 (MANE Select); coding-DNA position 731, T replaced by G.
Protein change: p.Ile244Ser; replaces isoleucine 244 with serine.
Molecular consequence: missense variant. On other transcripts: non-coding transcript variant (3).
Genome position (GRCh38, 1-based): chr4:109,760,564, A>C on the plus strand (T>G on the coding strand, the complement: CFI is on the minus strand). VCF-style: chr4-109760564-A-C. GRCh37 (hg19) VCF-style: chr4-110681720-A-C.
Other names: c.731T>G, p.Ile244Ser (NM_001318057.2, NM_001331035.2, NM_001375278.1 and 5 more transcripts); c.122T>G, p.Ile41Ser (NM_001375284.1); short protein forms I244S, I41S.
Identifiers: ClinVar variation 2195446 (VCV002195446.5), dbSNP rs200095323, ClinGen allele CA3042199.